The following is an entry in ClinVar:

NM_032119.4(ADGRV1):c.15851A>C (p.Asn5284Thr)

Gene: ADGRV1 (adhesion G protein-coupled receptor V1; plus strand). Cytogenetic location: 5q14.3.
Variant type: single nucleotide variant.
Coding change: c.15851A>C on transcript NM_032119.4 (MANE Select); coding-DNA position 15851, A replaced by C.
Protein change: p.Asn5284Thr; replaces asparagine 5284 with threonine.
Molecular consequence: missense variant. On other transcripts: non-coding transcript variant (1).
Genome position (GRCh38, 1-based): chr5:90,811,111, A>C. VCF-style: chr5-90811111-A-C. GRCh37 (hg19) VCF-style: chr5-90106928-A-C.
Other names: p.Asn5284Thr; short protein forms N5284T.
Identifiers: ClinVar variation 4541055 (VCV004541055.1).

ClinVar aggregate classification (germline): Uncertain significance (1 of 4 stars; one submission).

gnomAD v4.1: 1 of 1,613,808 alleles (0.000062%); highest among the groups gnomAD compares: Admixed American, 0.0017%; no homozygotes.

Submission:

Mayo Clinic Laboratories, Mayo Clinic
Classification: Uncertain significance. Last evaluated: 2025-02-06. Review status: criteria provided, single submitter. Criteria: ACMG Guidelines, 2015. Collection method: clinical testing. Allele origin: germline. Observed: 1 variant allele.
Comment: BP4, PM2_moderate